The following is an entry in ClinVar:

ClinVar aggregate classification (germline): Likely pathogenic (1 of 4 stars; one submission).

Allele frequency attached by ClinVar (database versions not stated): gnomAD exomes below 0.00001; TOPMed below 0.00001; gnomAD 0.00001.
gnomAD v4.1: 2 of 1,603,276 alleles (0.00012%); highest among the groups gnomAD compares: African/African-American, 0.0013%; no homozygotes.

Submission:

Labcorp Genetics (formerly Invitae), Labcorp
Classification: Likely pathogenic. Last evaluated: 2023-06-22. Review status: criteria provided, single submitter. Criteria: Invitae Variant Classification Sherloc (09022015). Collection method: clinical testing. Allele origin: germline.
Comment: This sequence change affects an acceptor splice site in intron 4 of the DNAJC21 gene. It is expected to disrupt RNA splicing. Variants that disrupt the donor or acceptor splice site typically lead to a loss of protein function (PMID: 16199547), and loss-of-function variants in DNAJC21 are known to be pathogenic (PMID: 27346687, 28062395). This variant is not present in population databases (gnomAD no frequency). Disruption of this splice site has been observed in individual(s) with clinical features of Shwachman-Diamond syndrome (Invitae). ClinVar contains an entry for this variant (Variation ID: 2126132). Algorithms developed to predict the effect of sequence changes on RNA splicing suggest that this variant may disrupt the consensus splice site. In summary, the currently available evidence indicates that the variant is pathogenic, but additional data are needed to prove that conclusively. Therefore, this variant has been classified as Likely Pathogenic.

Literature cited by the submitters: PubMed 16199547; PubMed 27346687; PubMed 28062395.

NM_001012339.3(DNAJC21):c.439-2A>G

Gene: DNAJC21 (DnaJ heat shock protein family (Hsp40) member C21; plus strand). Cytogenetic location: 5p13.2.
Variant type: single nucleotide variant.
Coding change: c.439-2A>G on transcript NM_001012339.3 (MANE Select); the canonical splice acceptor site of the intron before coding-DNA position 439, A replaced by G.
Molecular consequence: splice acceptor variant.
Genome position (GRCh38, 1-based): chr5:34,937,324, A>G. VCF-style: chr5-34937324-A-G. GRCh37 (hg19) VCF-style: chr5-34937429-A-G.
Other names: c.439-2A>G (NM_001348420.2, NM_194283.4).
Identifiers: ClinVar variation 2126132 (VCV002126132.4), dbSNP rs1764812018, ClinGen allele CA359414075.